The following is an entry in ClinVar:

ClinVar aggregate classification (germline): Uncertain significance. Review status: criteria provided, multiple submitters, no conflicts (2 of 4 stars). 3 submissions from 3 submitters: Uncertain significance (3). Last evaluated 2025-12-23.

Conditions:
Generalized epilepsy with febrile seizures plus, type 7 (GEFSP7). Also called: GEFS+, TYPE 7. Identifiers: Orphanet 36387, MedGen C2751778, MONDO:0013470, OMIM 613863.
Neuropathy, hereditary sensory and autonomic, type 2A (HSAN2A). Also called: HSAN IIA; ACROOSTEOLYSIS, GIACCAI TYPE; ACROOSTEOLYSIS, NEUROGENIC; MORVAN DISEASE; NEUROPATHY, CONGENITAL SENSORY; NEUROPATHY, HEREDITARY SENSORY RADICULAR, AUTOSOMAL RECESSIVE. Identifiers: Orphanet 970, MedGen C2752089, MONDO:0024309, OMIM 201300.
Inborn genetic diseases. Identifiers: MedGen C0950123, MeSH D030342.

Allele frequency attached by ClinVar (database versions not stated): gnomAD exomes 0.00001 and 0.00002; gnomAD 0.00001; TOPMed 0.00001; 1000 Genomes Project 30x 0.00016; 1000 Genomes Project 0.00020; ExAC 0.00002.
gnomAD v4.1: 9 of 1,610,378 alleles (0.00056%); highest among the groups gnomAD compares: Admixed American, 0.005%; no homozygotes.

Submissions (3):

Labcorp Genetics (formerly Invitae), Labcorp
Classification: Uncertain significance for Neuropathy, hereditary sensory and autonomic, type 2A; Generalized epilepsy with febrile seizures plus, type 7. Last evaluated: 2025-12-23. Review status: criteria provided, single submitter. Criteria: Invitae Variant Classification Sherloc (09022015). Collection method: clinical testing. Allele origin: germline.
Comment: This sequence change replaces isoleucine, which is neutral and non-polar, with valine, which is neutral and non-polar, at codon 97 of the SCN9A protein (p.Ile97Val). This variant is present in population databases (rs192699758, gnomAD 0.006%). This variant has not been reported in the literature in individuals affected with SCN9A-related conditions. ClinVar contains an entry for this variant (Variation ID: 1485814). Invitae Evidence Modeling of protein sequence and biophysical properties (such as structural, functional, and spatial information, amino acid conservation, physicochemical variation, residue mobility, and thermodynamic stability) indicates that this missense variant is not expected to disrupt SCN9A protein function with a negative predictive value of 95%. In summary, the available evidence is currently insufficient to determine the role of this variant in disease. Therefore, it has been classified as a Variant of Uncertain Significance.

Ambry Genetics
Classification: Uncertain significance for Inborn genetic diseases. Last evaluated: 2025-08-28. Review status: criteria provided, single submitter. Criteria: Ambry Variant Classification Scheme 2023. Collection method: clinical testing. Allele origin: germline.

Dasa
Classification: Uncertain significance. Last evaluated: 2025-01-15. Review status: criteria provided, single submitter. Criteria: DASA Assertion Criteria. Collection method: clinical testing. Allele origin: germline.
Comment: NM_001365536.1(SCN9A):c.289A>G (p.Ile97Val) is a missense variant that results in the substitution of isoleucine with valine. This variant is rare in population databases. The currently available literature and clinical evidence are not sufficient to establish a definitive association between this variant and the reported condition. Therefore, this variant is classified as a variant of uncertain significance.

NM_001365536.1(SCN9A):c.289A>G (p.Ile97Val)

Gene: SCN9A (sodium voltage-gated channel alpha subunit 9; minus strand). Cytogenetic location: 2q24.3.
Variant type: single nucleotide variant.
Coding change: c.289A>G on transcript NM_001365536.1 (MANE Select); coding-DNA position 289, A replaced by G.
Protein change: p.Ile97Val; replaces isoleucine 97 with valine.
Molecular consequence: missense variant.
Genome position (GRCh38, 1-based): chr2:166,307,044, T>C on the plus strand (A>G on the coding strand, the complement: SCN9A is on the minus strand). VCF-style: chr2-166307044-T-C. GRCh37 (hg19) VCF-style: chr2-167163554-T-C.
Other names: c.289A>G, p.Ile97Val (NM_002977.4); short protein forms I97V.
Identifiers: ClinVar variation 1485814 (VCV001485814.11), dbSNP rs192699758, ClinGen allele CA1944834.